The following is an entry in ClinVar:

ClinVar aggregate classification (germline): Conflicting classifications of pathogenicity. Review status: criteria provided, conflicting classifications (1 of 4 stars). 3 submissions from 3 submitters: Uncertain significance (1); Likely benign (2). Last evaluated 2025-10-31.

Conditions:
PDE6B-related disorder. Also called: PDE6B-related disease; PDE6B-related condition; PDE6B-related disorders.

Allele frequency attached by ClinVar (database versions not stated): gnomAD 0.00001 and 0.00009; TOPMed 0.00003; gnomAD exomes 0.00013 and 0.00026; 1000 Genomes Project 30x 0.00016; 1000 Genomes Project 0.00020; ExAC 0.00029.
gnomAD v4.1: 196 of 1,613,238 alleles (0.012%); highest among the groups gnomAD compares: South Asian, 0.2%; 3 homozygotes.

Submissions (3):

PreventionGenetics, part of Exact Sciences
Classification: Likely benign for PDE6B-related condition. Last evaluated: 2025-10-31. Review status: criteria provided, single submitter. Criteria: ACMG Guidelines, 2015. Collection method: clinical testing. Allele origin: germline.
Comment: This variant is classified as likely benign based on ACMG/AMP sequence variant interpretation guidelines (Richards et al. 2015 PMID: 25741868, with internal and published modifications).

Labcorp Genetics (formerly Invitae), Labcorp
Classification: Likely benign. Last evaluated: 2025-09-01. Review status: criteria provided, single submitter. Criteria: Invitae Variant Classification Sherloc (09022015). Collection method: clinical testing. Allele origin: germline.

Blueprint Genetics
Classification: Uncertain significance. Last evaluated: 2022-07-20. Review status: criteria provided, single submitter. Criteria: ACMG Guidelines, 2015. Collection method: clinical testing. Allele origin: germline.

NM_000283.4(PDE6B):c.1384G>A (p.Glu462Lys)

Gene: PDE6B (phosphodiesterase 6B; plus strand). Cytogenetic location: 4p16.3.
Variant type: single nucleotide variant.
Coding change: c.1384G>A on transcript NM_000283.4 (MANE Select); coding-DNA position 1384, G replaced by A.
Protein change: p.Glu462Lys; replaces glutamic acid 462 with lysine.
Molecular consequence: missense variant.
Genome position (GRCh38, 1-based): chr4:657,477, G>A. VCF-style: chr4-657477-G-A. GRCh37 (hg19) VCF-style: chr4-651266-G-A.
Other names: c.1384G>A (NM_000283.3); c.1384G>A, p.Glu462Lys (NM_001145291.2); c.547G>A, p.Glu183Lys (NM_001145292.2, NM_001350154.3, NM_001379246.1 and 1 more transcripts); c.229G>A, p.Glu77Lys (NM_001350155.3); short protein forms E183K, E462K, E77K.
Identifiers: ClinVar variation 1532379 (VCV001532379.10), dbSNP rs560334464, ClinGen allele CA2794468.